The following is an entry in ClinVar:

ClinVar aggregate classification (germline): Uncertain significance (1 of 4 stars; one submission).

Allele frequency attached by ClinVar (database versions not stated): gnomAD 0.00001; gnomAD exomes 0.00001.
gnomAD v4.1: 13 of 1,610,372 alleles (0.00081%); highest among the groups gnomAD compares: Non-Finnish European, 0.0011%; no homozygotes.

Submission:

Labcorp Genetics (formerly Invitae), Labcorp
Classification: Uncertain significance. Last evaluated: 2022-04-10. Review status: criteria provided, single submitter. Criteria: Invitae Variant Classification Sherloc (09022015). Collection method: clinical testing. Allele origin: germline.
Comment: In summary, the available evidence is currently insufficient to determine the role of this variant in disease. Therefore, it has been classified as a Variant of Uncertain Significance. This sequence change replaces threonine, which is neutral and polar, with asparagine, which is neutral and polar, at codon 3232 of the SPEG protein (p.Thr3232Asn). This variant is not present in population databases (gnomAD no frequency). This variant has not been reported in the literature in individuals affected with SPEG-related conditions. Algorithms developed to predict the effect of missense changes on protein structure and function are either unavailable or do not agree on the potential impact of this missense change (SIFT: "Deleterious"; PolyPhen-2: "Probably Damaging"; Align-GVGD: "Class C0").

NM_005876.5(SPEG):c.9695C>A (p.Thr3232Asn)

Genes: ASIC4-AS1 (ASIC4 antisense RNA 1; minus strand), SPEG (striated muscle enriched protein kinase; plus strand). Cytogenetic location: 2q35.
Variant type: single nucleotide variant.
Coding change: c.9695C>A on transcript NM_005876.5 (MANE Select); coding-DNA position 9695, C replaced by A.
Protein change: p.Thr3232Asn; replaces threonine 3232 with asparagine.
Molecular consequence: missense variant.
Genome position (GRCh38, 1-based): chr2:219,492,677, C>A. VCF-style: chr2-219492677-C-A. GRCh37 (hg19) VCF-style: chr2-220357399-C-A.
Other names: short protein forms T3232N.
Identifiers: ClinVar variation 1962773 (VCV001962773.5), dbSNP rs1559439443, ClinGen allele CA350719747.